The following is an entry in ClinVar:

NM_004104.5(FASN):c.778+6C>T

Gene: FASN (fatty acid synthase; minus strand). Cytogenetic location: 17q25.3.
Variant type: single nucleotide variant.
Coding change: c.778+6C>T on transcript NM_004104.5 (MANE Select); 6 bases into the intron after coding-DNA position 778, C replaced by T.
Molecular consequence: intron variant.
Genome position (GRCh38, 1-based): chr17:82,092,891, G>A on the plus strand (C>T on the coding strand, the complement: FASN is on the minus strand). VCF-style: chr17-82092891-G-A. GRCh37 (hg19) VCF-style: chr17-80050767-G-A.
Identifiers: ClinVar variation 462114 (VCV000462114.6), dbSNP rs747631706, ClinGen allele CA8853407.

ClinVar aggregate classification (germline): Uncertain significance (1 of 4 stars; one submission).

Conditions:
Epileptic encephalopathy. Identifiers: MedGen C0543888, HP:0200134.

Allele frequency attached by ClinVar (database versions not stated): gnomAD 0.00001; ExAC 0.00002; gnomAD exomes 0.00002; TOPMed 0.00002.
gnomAD v4.1: 29 of 1,598,976 alleles (0.0018%); highest among the groups gnomAD compares: South Asian, 0.0022%; 1 homozygote.

Submission:

Labcorp Genetics (formerly Invitae), Labcorp
Classification: Uncertain significance for Epileptic encephalopathy. Last evaluated: 2021-08-28. Review status: criteria provided, single submitter. Criteria: Invitae Variant Classification Sherloc (09022015). Collection method: clinical testing. Allele origin: germline.
Comment: This sequence change falls in intron 6 of the FASN gene. It does not directly change the encoded amino acid sequence of the FASN protein. It affects a nucleotide within the consensus splice site of the intron. The frequency data for this variant in the population databases is considered unreliable, as metrics indicate poor data quality at this position in the ExAC database. This variant has not been reported in the literature in individuals affected with FASN-related conditions. ClinVar contains an entry for this variant (Variation ID: 462114). Variants that disrupt the consensus splice site are a relatively common cause of aberrant splicing (PMID: 17576681, 9536098). Algorithms developed to predict the effect of sequence changes on RNA splicing suggest that this variant is not likely to affect RNA splicing. In summary, the available evidence is currently insufficient to determine the role of this variant in disease. Therefore, it has been classified as a Variant of Uncertain Significance.

Literature cited by the submitters: PubMed 17576681; PubMed 9536098.